The following is an entry in ClinVar:

ClinVar aggregate classification (germline): Pathogenic. Review status: criteria provided, multiple submitters, no conflicts (2 of 4 stars). 3 submissions from 3 submitters: Pathogenic (3). Last evaluated 2024-10-08.

Conditions:
Familial X-linked hypophosphatemic vitamin D refractory rickets (XLHRD). Also called: X-Linked Hypophosphatemia; HYPOPHOSPHATEMIC VITAMIN D-RESISTANT RICKETS; Hypophosphatemic Rickets, X-Linked Dominant; Hypophosphatemia, vitamin D-resistant rickets; Vitamin D-resistant rickets, X-linked. Identifiers: Orphanet 89936, MedGen C0733682, MONDO:0010619, OMIM 307800.

Submissions (3):

Genetics and Genomic Medicine Centre, NeuroGen Healthcare, NeuroGen Healthcare
Classification: Pathogenic for Familial X-linked hypophosphatemic vitamin D refractory rickets. Last evaluated: 2024-10-08. Review status: criteria provided, single submitter. Criteria: ACMG Guidelines, 2015. Collection method: clinical testing. Allele origin: unknown. Affected: yes.

Mendelics
Classification: Pathogenic for Familial X-linked hypophosphatemic vitamin D refractory rickets. Last evaluated: 2022-05-04. Review status: criteria provided, single submitter. Criteria: Mendelics Assertion Criteria 2019. Collection method: clinical testing. Allele origin: germline.

Labcorp Genetics (formerly Invitae), Labcorp
Classification: Pathogenic. Last evaluated: 2021-03-26. Review status: criteria provided, single submitter. Criteria: Invitae Variant Classification Sherloc (09022015). Collection method: clinical testing. Allele origin: germline.
Comment: For these reasons, this variant has been classified as Pathogenic. Algorithms developed to predict the effect of sequence changes on RNA splicing suggest that this variant may disrupt the consensus splice site, but this prediction has not been confirmed by published transcriptional studies. This variant has been observed in individual(s) with hypophosphatemia (PMID: 26543054, 24836714). It has also been observed to segregate with disease in related individuals. This variant is not present in population databases (ExAC no frequency). This sequence change affects an acceptor splice site in intron 15 of the PHEX gene. It is expected to disrupt RNA splicing. Variants that disrupt the donor or acceptor splice site typically lead to a loss of protein function (PMID: 16199547), and loss-of-function variants in PHEX are known to be pathogenic (PMID: 9097956, 9106524, 19219621).

Literature cited by the submitters: PubMed 26543054 (cited by Labcorp Genetics (formerly Invitae), Labcorp); PubMed 24836714 (cited by Labcorp Genetics (formerly Invitae), Labcorp); PubMed 16199547 (cited by Labcorp Genetics (formerly Invitae), Labcorp); PubMed 9097956 (cited by Labcorp Genetics (formerly Invitae), Labcorp); PubMed 9106524 (cited by Labcorp Genetics (formerly Invitae), Labcorp); PubMed 19219621 (cited by Labcorp Genetics (formerly Invitae), Labcorp).

NM_000444.6(PHEX):c.1646-2A>G

Genes: PHEX (phosphate regulating endopeptidase X-linked; plus strand), PTCHD1-AS (PTCHD1 and PHEX antisense RNA; minus strand). Cytogenetic location: Xp22.11.
Variant type: single nucleotide variant.
Coding change: c.1646-2A>G on transcript NM_000444.6 (MANE Select); the canonical splice acceptor site of the intron before coding-DNA position 1646, A replaced by G.
Molecular consequence: splice acceptor variant.
Genome position (GRCh38, 1-based): chrX:22,212,902, A>G. VCF-style: chrX-22212902-A-G. GRCh37 (hg19) VCF-style: chrX-22231019-A-G.
Other names: c.1646-2A>G (NM_001282754.2).
Identifiers: ClinVar variation 1455365 (VCV001455365.10), dbSNP rs2147164011, ClinGen allele CA412575584.